The following is an entry in ClinVar:

ClinVar aggregate classification (germline): Conflicting classifications of pathogenicity. Review status: criteria provided, conflicting classifications (1 of 4 stars). 4 submissions from 4 submitters: Likely pathogenic (1); Uncertain significance (1). 2 of the submissions do not count toward it. Last evaluated 2024-03-07.

Submissions (4):

GeneDx
Classification: Likely pathogenic. Last evaluated: 2024-03-07. Review status: criteria provided, single submitter. Criteria: GeneDx Variant Classification Process June 2021. Collection method: clinical testing. Allele origin: germline. Affected: yes.
Comment: Reported in the heterozygous state in a patient with IgA nephropathy and thinned glomerular basement membrane in published literature (PMID: 36130833); Affects a glycine residue in a Gly-X-Y motif in the triple helical region of the COL4A4 gene, where the majority of pathogenic missense variants occur, and is predicted to disrupt normal protein folding and function (PMID: 10752524); Not observed at significant frequency in large population cohorts (gnomAD); In silico analysis supports that this missense variant has a deleterious effect on protein structure/function; This variant is associated with the following publications: (PMID: 10752524, 36130833)

Labcorp Genetics (formerly Invitae), Labcorp
Classification: Uncertain significance. Last evaluated: 2023-05-22. Review status: criteria provided, single submitter. Criteria: Invitae Variant Classification Sherloc (09022015). Collection method: clinical testing. Allele origin: germline.
Comment: This sequence change replaces glycine, which is neutral and non-polar, with aspartic acid, which is acidic and polar, at codon 725 of the COL4A4 protein (p.Gly725Asp). In summary, the available evidence is currently insufficient to determine the role of this variant in disease. Therefore, it has been classified as a Variant of Uncertain Significance. Advanced modeling of protein sequence and biophysical properties (such as structural, functional, and spatial information, amino acid conservation, physicochemical variation, residue mobility, and thermodynamic stability) performed at Invitae indicates that this missense variant is expected to disrupt COL4A4 protein function. ClinVar contains an entry for this variant (Variation ID: 1285201). This variant has not been reported in the literature in individuals affected with COL4A4-related conditions. This variant is not present in population databases (gnomAD no frequency).

Genome Diagnostics Laboratory, University Medical Center Utrecht
Classification: Likely pathogenic. Review status: no assertion criteria provided. Collection method: clinical testing. Allele origin: germline. Affected: yes. Study: VKGL Data-share Consensus. Not counted in ClinVar's aggregate classification.

Joint Genome Diagnostic Labs from Nijmegen and Maastricht, Radboudumc and MUMC+
Classification: Likely pathogenic. Review status: no assertion criteria provided. Collection method: clinical testing. Allele origin: germline. Affected: yes. Study: VKGL Data-share Consensus. Not counted in ClinVar's aggregate classification.

NM_000092.5(COL4A4):c.2174G>A (p.Gly725Asp)

Gene: COL4A4 (collagen type IV alpha 4 chain; minus strand). Cytogenetic location: 2q36.3.
Variant type: single nucleotide variant.
Coding change: c.2174G>A on transcript NM_000092.5 (MANE Select); coding-DNA position 2174, G replaced by A.
Protein change: p.Gly725Asp; replaces glycine 725 with aspartic acid.
Molecular consequence: missense variant.
Genome position (GRCh38, 1-based): chr2:227,059,614, C>T on the plus strand (G>A on the coding strand, the complement: COL4A4 is on the minus strand). VCF-style: chr2-227059614-C-T. GRCh37 (hg19) VCF-style: chr2-227924330-C-T.
Other names: c.2174G>A (NM_000092.4); short protein forms G725D.
Identifiers: ClinVar variation 1285201 (VCV001285201.7), dbSNP rs2150277040, ClinGen allele CA350842227.